The following is an entry in ClinVar:

NM_000053.4(ATP7B):c.1022C>G (p.Ser341Cys)

Gene: ATP7B (ATPase copper transporting beta; minus strand). Cytogenetic location: 13q14.3.
Variant type: single nucleotide variant.
Coding change: c.1022C>G on transcript NM_000053.4 (MANE Select); coding-DNA position 1022, C replaced by G.
Protein change: p.Ser341Cys; replaces serine 341 with cysteine.
Molecular consequence: missense variant. On other transcripts: intron variant (1).
Genome position (GRCh38, 1-based): chr13:51,974,198, G>C on the plus strand (C>G on the coding strand, the complement: ATP7B is on the minus strand). VCF-style: chr13-51974198-G-C. GRCh37 (hg19) VCF-style: chr13-52548334-G-C.
Other names: c.1022C>G, p.Ser341Cys (NM_001005918.3, NM_001330578.2, NM_001330579.2 and 29 more transcripts); c.926C>G, p.Ser309Cys (NM_001406517.1, NM_001406518.1, NM_001406530.1 and 3 more transcripts); c.803-114C>G (NM_001243182.2); short protein forms S309C, S341C.
Identifiers: ClinVar variation 2164780 (VCV002164780.3), dbSNP rs2547815909, ClinGen allele CA388039502.

ClinVar aggregate classification (germline): Uncertain significance (1 of 4 stars; one submission).

Conditions:
Wilson disease (WND). Also called: Wilson's disease. Identifiers: Orphanet 905, MedGen C0019202, MONDO:0010200, OMIM 277900. Disease mechanism: loss of function.

Submission:

Labcorp Genetics (formerly Invitae), Labcorp
Classification: Uncertain significance for Wilson disease. Last evaluated: 2022-04-18. Review status: criteria provided, single submitter. Criteria: Invitae Variant Classification Sherloc (09022015). Collection method: clinical testing. Allele origin: germline.
Comment: In summary, the available evidence is currently insufficient to determine the role of this variant in disease. Therefore, it has been classified as a Variant of Uncertain Significance. Advanced modeling of protein sequence and biophysical properties (such as structural, functional, and spatial information, amino acid conservation, physicochemical variation, residue mobility, and thermodynamic stability) performed at Invitae indicates that this missense variant is not expected to disrupt ATP7B protein function. This variant has not been reported in the literature in individuals affected with ATP7B-related conditions. This variant is not present in population databases (gnomAD no frequency). This sequence change replaces serine, which is neutral and polar, with cysteine, which is neutral and slightly polar, at codon 341 of the ATP7B protein (p.Ser341Cys).